The following is an entry in ClinVar:

ClinVar aggregate classification (germline): Pathogenic. Review status: criteria provided, multiple submitters, no conflicts (2 of 4 stars). 2 submissions from 2 submitters: Pathogenic (2). Last evaluated 2026-01-28.

Conditions:
Dent disease type 1 (DENT1). Also called: NEPHROLITHIASIS 2; NEPHROLITHIASIS, HYPERCALCIURIC, X-LINKED. Identifiers: Orphanet 1652, Orphanet 93622, MedGen C1848336, MONDO:0010225, OMIM 300009.

Submissions (2):

GeneDx
Classification: Pathogenic. Last evaluated: 2026-01-28. Review status: criteria provided, single submitter. Criteria: GeneDx Variant Classification Process June 2021. Collection method: clinical testing. Allele origin: germline.
Comment: Frameshift variant predicted to result in protein truncation or nonsense mediated decay in a gene for which loss of function is a known mechanism of disease; Not observed at significant frequency in large population cohorts (gnomAD); This variant is associated with the following publications: (PMID: 10906159)

Mendelics
Classification: Pathogenic for Dent disease type 1. Last evaluated: 2022-05-04. Review status: criteria provided, single submitter. Criteria: Mendelics Assertion Criteria 2019. Collection method: clinical testing. Allele origin: germline.

NM_001127898.4(CLCN5):c.1386_1387del (p.Cys462fs)

Gene: CLCN5 (Cl-/H+ antiporter 5; plus strand). Cytogenetic location: Xp11.23.
Variant type: Microsatellite.
Coding change: c.1386_1387del on transcript NM_001127898.4 (MANE Select); coding-DNA positions 1386 to 1387, 2 bases deleted (TG; older notation c.1386_1387delTG).
Protein change: p.Cys462fs; shifts the reading frame from cysteine 462.
Molecular consequence: frameshift variant.
Genome position (GRCh38, 1-based): chrX:50,086,699-50,086,700, TG deleted; deleting any 2 consecutive bases within chrX:50,086,697-50,086,700 gives the same sequence; the c. name uses the placement nearest the transcript's 3' end. VCF-style (leftmost placement, unchanged base first): chrX-50086696-CTG-C. GRCh37 (hg19) VCF-style: chrX-49851353-CTG-C.
Other names: c.1176_1177del (NM_000084.2); c.1176_1177del, p.Cys392fs (NM_000084.5); c.1386_1387del, p.Cys462fs (NM_001127899.4); c.1236_1237del, p.Cys412fs (NM_001282163.2); short protein forms C392fs, C412fs, C462fs.
Identifiers: ClinVar variation 1685636 (VCV001685636.2), dbSNP rs2147596542, ClinGen allele CA2580617050.
Genomic context (GRCh38, chrX:50,086,696, plus strand): 5'-TTTCCCCAATGAATACACTCGGATGAGCACAAGTGAGCTCATTTCTGAGCTGTTTAATGA[CTG>C]TGGCCTTCTGGACTCCTCCAAGCTCTGTGATTATGAGAACCGTTTCAACACAAGCAAAGG-3'